The following is an entry in ClinVar:

NM_001267727.2(ARSG):c.1452G>C (p.Lys484Asn)

Genes: ARSG (arylsulfatase G; plus strand), PRKAR1A (protein kinase cAMP-dependent type I regulatory subunit alpha; plus strand). Cytogenetic location: 17q24.2.
Variant type: single nucleotide variant.
Coding change: c.1452G>C on transcript NM_001267727.2 (MANE Select); coding-DNA position 1452, G replaced by C.
Protein change: p.Lys484Asn; replaces lysine 484 with asparagine.
Molecular consequence: missense variant. On other transcripts: intron variant (3).
Genome position (GRCh38, 1-based): chr17:68,420,337, G>C. VCF-style: chr17-68420337-G-C. GRCh37 (hg19) VCF-style: chr17-66416478-G-C.
Other names: c.1452G>C, p.Lys484Asn (NM_001352900.2, NM_001352901.2, NM_001352902.2 and 2 more transcripts); c.1449G>C, p.Lys483Asn (NM_001352903.2, NM_001352904.2, NM_001352905.2 and 2 more transcripts); c.1303+18887G>C (NM_001352910.2); c.1255+18887G>C (NM_001352909.2); c.-7+6542G>C (NM_001278433.2); short protein forms K484N, K483N.
Identifiers: ClinVar variation 1955844 (VCV001955844.2), dbSNP rs748809699, ClinGen allele CA400749142.
Genomic context (GRCh38, chr17:68,420,337, plus strand): 5'-AGCTGTGCCCCTAGAAAGAGGTGGTGCGGAGTACCAGGCTGTGCTGCCCGAGGTCAGAAA[G>C]GTTCTTGCAGACGTCCTCCAAGACATTGCCAACGACAACATCTCCAGCGCAGATTACACT-3'
Protein context (NP_001254656.1, residues 474-494): EYQAVLPEVR[Lys484Asn]VLADVLQDIA

ClinVar aggregate classification (germline): Uncertain significance (1 of 4 stars; one submission).

gnomAD v4.1: 2 of 1,614,110 alleles (0.00012%); highest among the groups gnomAD compares: East Asian, 0.0045%; no homozygotes.

Submission:

Labcorp Genetics (formerly Invitae), Labcorp
Classification: Uncertain significance. Last evaluated: 2022-04-29. Review status: criteria provided, single submitter. Criteria: Invitae Variant Classification Sherloc (09022015). Collection method: clinical testing. Allele origin: germline.
Comment: This sequence change replaces lysine, which is basic and polar, with asparagine, which is neutral and polar, at codon 484 of the ARSG protein (p.Lys484Asn). This variant is present in population databases (no rsID available, gnomAD 0.01%). This variant has not been reported in the literature in individuals affected with ARSG-related conditions. Algorithms developed to predict the effect of missense changes on protein structure and function (SIFT, PolyPhen-2, Align-GVGD) all suggest that this variant is likely to be tolerated. In summary, the available evidence is currently insufficient to determine the role of this variant in disease. Therefore, it has been classified as a Variant of Uncertain Significance.